The following is an entry in ClinVar:

ClinVar aggregate classification (germline): Uncertain significance (1 of 4 stars; one submission).

Conditions:
Congenital myasthenic syndrome 10. Also called: Myasthenia, limb-girdle, familial. Identifiers: Orphanet 590, MedGen C1850792, MONDO:0009690, OMIM 254300.
Fetal akinesia deformation sequence 1 (FADS1). Also called: Pena-Shokeir syndrome type I; Fetal akinesia sequence. Identifiers: Orphanet 994, MedGen C1276035, MONDO:0100101, OMIM 208150, HP:0001989.

Submission:

Labcorp Genetics (formerly Invitae), Labcorp
Classification: Uncertain significance for Congenital myasthenic syndrome 10; Fetal akinesia deformation sequence 1. Last evaluated: 2021-11-26. Review status: criteria provided, single submitter. Criteria: Invitae Variant Classification Sherloc (09022015). Collection method: clinical testing. Allele origin: germline.
Comment: In summary, the available evidence is currently insufficient to determine the role of this variant in disease. Therefore, it has been classified as a Variant of Uncertain Significance. This sequence change replaces methionine, which is neutral and non-polar, with valine, which is neutral and non-polar, at codon 97 of the DOK7 protein (p.Met97Val). This variant is not present in population databases (gnomAD no frequency). This variant has not been reported in the literature in individuals affected with DOK7-related conditions. Algorithms developed to predict the effect of missense changes on protein structure and function output the following: SIFT: "Tolerated"; PolyPhen-2: "Benign"; Align-GVGD: "Class C0". The valine amino acid residue is found in multiple mammalian species, which suggests that this missense change does not adversely affect protein function. Algorithms developed to predict the effect of sequence changes on RNA splicing suggest that this variant may create or strengthen a splice site.

NM_173660.5(DOK7):c.289A>G (p.Met97Val)

Gene: DOK7 (docking protein 7; plus strand). Cytogenetic location: 4p16.3.
Variant type: single nucleotide variant.
Coding change: c.289A>G on transcript NM_173660.5 (MANE Select); coding-DNA position 289, A replaced by G.
Protein change: p.Met97Val; replaces methionine 97 with valine.
Molecular consequence: missense variant. On other transcripts: intron variant (1).
Genome position (GRCh38, 1-based): chr4:3,473,594, A>G. VCF-style: chr4-3473594-A-G. GRCh37 (hg19) VCF-style: chr4-3475321-A-G.
Other names: c.289A>G, p.Met97Val (NM_001164673.2, NM_001301071.2); c.100+10043A>G (NM_001363811.2); short protein forms M97V.
Identifiers: ClinVar variation 1352270 (VCV001352270.6), dbSNP rs2109336403, ClinGen allele CA356113672.